The following is an entry in ClinVar:

ClinVar aggregate classification (germline): Conflicting classifications of pathogenicity. Review status: criteria provided, conflicting classifications (1 of 4 stars). 5 submissions from 5 submitters: Uncertain significance (1); Likely benign (3). 1 of the submissions does not count toward it. Last evaluated 2026-01-26.

Conditions:
Monogenic diabetes. Identifiers: Orphanet 183625, MedGen C3888631, MONDO:0015967.
Atrioventricular septal defect 5 (AVSD5). Identifiers: MedGen C3280939, MONDO:0013769, OMIM 614474.
Tetralogy of Fallot (TOF). Identifiers: Orphanet 3303, MedGen C0039685, MONDO:0008542, OMIM 187500, HP:0001636.

Allele frequency attached by ClinVar (database versions not stated): gnomAD exomes 0.00007; ExAC 0.00024; 1000 Genomes Project 30x 0.00031; gnomAD 0.00059 and 0.00068; TOPMed 0.00061.
gnomAD v4.1: 141 of 1,469,042 alleles (0.0096%); highest among the groups gnomAD compares: African/African-American, 0.2%; no homozygotes.

Submissions (5):

Labcorp Genetics (formerly Invitae), Labcorp
Classification: Likely benign for Atrioventricular septal defect 5. Last evaluated: 2026-01-26. Review status: criteria provided, single submitter. Criteria: Invitae Variant Classification Sherloc (09022015). Collection method: clinical testing. Allele origin: germline.

CeGaT Center for Human Genetics Tuebingen
Classification: Likely benign. Last evaluated: 2023-09-01. Review status: criteria provided, single submitter. Criteria: CeGaT Center For Human Genetics Tuebingen Variant Classification Criteria Version 2. Collection method: clinical testing. Allele origin: germline. Affected: yes. Observed: 1 variant allele.
Comment: GATA6: PP3, BS1

GeneDx
Classification: Likely benign. Last evaluated: 2020-03-09. Review status: criteria provided, single submitter. Criteria: GeneDx Variant Classification Process June 2021. Collection method: clinical testing. Allele origin: germline. Affected: yes.
Comment: This variant is associated with the following publications: (PMID: 20581743)

Personalized Diabetes Medicine Program, University of Maryland School of Medicine
Classification: Uncertain significance for Monogenic diabetes. Last evaluated: 2018-05-18. Review status: criteria provided, single submitter. Criteria: ACMG Guidelines, 2015. Collection method: research. Allele origin: unknown. Observed: 1 variant allele, 1 heterozygote.

OMIM
Classification: Pathogenic for TETRALOGY OF FALLOT. Last evaluated: 2010-10-01. Review status: no assertion criteria provided. Collection method: literature only. Allele origin: germline. Not counted in ClinVar's aggregate classification.

Literature cited by the submitters: PubMed 20581743 (cited by OMIM).

NM_005257.6(GATA6):c.592C>G (p.Leu198Val)

Gene: GATA6 (GATA binding protein 6; plus strand). Cytogenetic location: 18q11.2.
Variant type: single nucleotide variant.
Coding change: c.592C>G on transcript NM_005257.6 (MANE Select); coding-DNA position 592, C replaced by G.
Protein change: p.Leu198Val; replaces leucine 198 with valine.
Molecular consequence: missense variant.
Genome position (GRCh38, 1-based): chr18:22,171,736, C>G. VCF-style: chr18-22171736-C-G. GRCh37 (hg19) VCF-style: chr18-19751697-C-G.
Other names: c.592C>G (NM_005257.4); short protein forms L198V.
Identifiers: ClinVar variation 30208 (VCV000030208.41), dbSNP rs387906814, ClinGen allele CA248633.